The following is an entry in ClinVar:

NM_000836.4(GRIN2D):c.428C>G (p.Ala143Gly)

Genes: GRIN2D (glutamate ionotropic receptor NMDA type subunit 2D; plus strand), LOC130064856 (ATAC-STARR-seq lymphoblastoid silent region 10880; plus strand). Cytogenetic location: 19q13.33.
Variant type: single nucleotide variant.
Coding change: c.428C>G on transcript NM_000836.4 (MANE Select); coding-DNA position 428, C replaced by G.
Protein change: p.Ala143Gly; replaces alanine 143 with glycine.
Molecular consequence: missense variant.
Genome position (GRCh38, 1-based): chr19:48,398,820, C>G. VCF-style: chr19-48398820-C-G. GRCh37 (hg19) VCF-style: chr19-48902077-C-G.
Other names: short protein forms A143G.
Identifiers: ClinVar variation 3636275 (VCV003636275.3).

ClinVar aggregate classification (germline): Uncertain significance. Review status: criteria provided, multiple submitters, no conflicts (2 of 4 stars). 2 submissions from 2 submitters: Uncertain significance (2). Last evaluated 2025-10-16.

gnomAD v4.1: 1 of 1,422,480 alleles (0.00007%); highest among the groups gnomAD compares: Admixed American, 0.0029%; no homozygotes.

Submissions (2):

Women's Health and Genetics/Laboratory Corporation of America, LabCorp
Classification: Uncertain significance. Last evaluated: 2025-10-16. Review status: criteria provided, single submitter. Criteria: LabCorp Variant Classification Summary - May 2015. Collection method: clinical testing. Allele origin: germline.
Comment: Variant summary: GRIN2D c.428C>G (p.Ala143Gly) results in a non-conservative amino acid change in the encoded protein sequence. Algorithms developed to predict the effect of missense changes on protein structure and function are either unavailable or do not agree on the potential impact of this missense change. The variant was absent in 50804 control chromosomes. The available data on variant occurrences in the general population are insufficient to allow any conclusion about variant significance. To our knowledge, no occurrence of c.428C>G in individuals affected with GRIN2D-related conditions and no experimental evidence demonstrating its impact on protein function have been reported. ClinVar contains an entry for this variant (Variation ID: 3636275). Based on the evidence outlined above, the variant was classified as uncertain significance.

Labcorp Genetics (formerly Invitae), Labcorp
Classification: Uncertain significance. Last evaluated: 2024-09-12. Review status: criteria provided, single submitter. Criteria: Invitae Variant Classification Sherloc (09022015). Collection method: clinical testing. Allele origin: germline.
Comment: This sequence change replaces alanine, which is neutral and non-polar, with glycine, which is neutral and non-polar, at codon 143 of the GRIN2D protein (p.Ala143Gly). This variant is not present in population databases (gnomAD no frequency). This variant has not been reported in the literature in individuals affected with GRIN2D-related conditions. Invitae Evidence Modeling of protein sequence and biophysical properties (such as structural, functional, and spatial information, amino acid conservation, physicochemical variation, residue mobility, and thermodynamic stability) indicates that this missense variant is not expected to disrupt GRIN2D protein function with a negative predictive value of 95%. In summary, the available evidence is currently insufficient to determine the role of this variant in disease. Therefore, it has been classified as a Variant of Uncertain Significance.